The following is an entry in ClinVar:

ClinVar aggregate classification (germline): Likely pathogenic (1 of 4 stars; one submission).

Conditions:
Inborn genetic diseases. Identifiers: MedGen C0950123, MeSH D030342.

Submission:

Ambry Genetics
Classification: Likely pathogenic for Inborn genetic diseases. Last evaluated: 2023-12-14. Review status: criteria provided, single submitter. Criteria: Ambry Variant Classification Scheme 2023. Collection method: clinical testing. Allele origin: germline.
Comment: The c.502_502+19del20 results from a deletion of 20 nucleotides from nucleotide position c.502 to c.502+19 and involves the canonical splice donor site after coding exon 2 of the EDA gene. Alterations that disrupt the canonical splice site are expected to cause aberrant splicing, resulting in an abnormal protein or a transcript that is subject to nonsense-mediated mRNA decay. This variant was not reported in population-based cohorts in the Genome Aggregation Database (gnomAD). This canonical splice donor site is highly conserved in available vertebrate species. In silico splice site analysis predicts that this alteration will weaken the native splice donor site and result in the creation or strengthening of a novel splice donor site. Based on the available evidence, this alteration is classified as likely pathogenic.

NM_001399.5(EDA):c.502_502+19del

Gene: EDA (ectodysplasin A; plus strand). Cytogenetic location: Xq13.1.
Variant type: Deletion.
Coding change: c.502_502+19del on transcript NM_001399.5 (MANE Select); coding-DNA position 502 through 19 bases into the intron after coding-DNA position 502, 20 bases deleted (GGTAAGTCTACTCAGTTGAT).
Molecular consequence: splice donor variant.
Genome position (GRCh38, 1-based): chrX:69,957,132-69,957,151, GGTAAGTCTACTCAGTTGAT deleted; deleting any 20 consecutive bases within chrX:69,957,129-69,957,151 gives the same sequence; the c. name uses the placement nearest the transcript's 3' end. VCF-style (leftmost placement, unchanged base first): chrX-69957128-AGATGGTAAGTCTACTCAGTT-A. GRCh37 (hg19) VCF-style: chrX-69176978-AGATGGTAAGTCTACTCAGTT-A.
Other names: c.502_502+19del (NM_001005609.2, NM_001005612.3).
Identifiers: ClinVar variation 3087113 (VCV003087113.1), dbSNP rs2520242932, ClinGen allele CA2825002957.